The following is an entry in ClinVar:

NM_001206744.2(TPO):c.1365del (p.Arg456fs)

Gene: TPO (thyroid peroxidase; plus strand). Cytogenetic location: 2p25.3.
Variant type: Deletion.
Coding change: c.1365del on transcript NM_001206744.2 (MANE Select); coding-DNA position 1365, one base deleted (C; older notation c.1365delC).
Protein change: p.Arg456fs; shifts the reading frame from arginine 456.
Molecular consequence: frameshift variant.
Genome position (GRCh38, 1-based): chr2:1,484,622, C deleted; the last of 4 consecutive C bases (chr2:1,484,619-1,484,622); deleting any one gives the same sequence. VCF-style (leftmost placement, unchanged base first): chr2-1484618-TC-T. GRCh37 (hg19) VCF-style: chr2-1488390-TC-T.
Other names: c.1365del, p.Arg456fs (NM_175721.3, NM_000547.6, NM_001206745.2 and 1 more transcripts); c.846del, p.Arg283fs (NM_175722.3); short protein forms R456fs, R283fs.
Identifiers: ClinVar variation 2803538 (VCV002803538.3), dbSNP rs2546164535, ClinGen allele CA2657646309.

ClinVar aggregate classification (germline): Pathogenic (1 of 4 stars; one submission).

Submission:

Labcorp Genetics (formerly Invitae), Labcorp
Classification: Pathogenic. Last evaluated: 2023-10-26. Review status: criteria provided, single submitter. Criteria: Invitae Variant Classification Sherloc (09022015). Collection method: clinical testing. Allele origin: germline.
Comment: This sequence change creates a premature translational stop signal (p.Arg456Glyfs*46) in the TPO gene. It is expected to result in an absent or disrupted protein product. Loss-of-function variants in TPO are known to be pathogenic (PMID: 11061528, 23236987, 25564141). This variant is not present in population databases (gnomAD no frequency). This variant has not been reported in the literature in individuals affected with TPO-related conditions. For these reasons, this variant has been classified as Pathogenic.

Literature cited by the submitters: PubMed 11061528; PubMed 23236987; PubMed 25564141.